The following is an entry in ClinVar:

NM_005219.5(DIAPH1):c.1018C>T (p.Arg340Cys)

Gene: DIAPH1 (diaphanous related formin 1; minus strand). Cytogenetic location: 5q31.3.
Variant type: single nucleotide variant.
Coding change: c.1018C>T on transcript NM_005219.5 (MANE Select); coding-DNA position 1018, C replaced by T.
Protein change: p.Arg340Cys; replaces arginine 340 with cysteine.
Molecular consequence: missense variant.
Genome position (GRCh38, 1-based): chr5:141,578,541, G>A on the plus strand (C>T on the coding strand, the complement: DIAPH1 is on the minus strand). VCF-style: chr5-141578541-G-A. GRCh37 (hg19) VCF-style: chr5-140958108-G-A.
Other names: c.1018C>T (NM_005219.4); c.991C>T, p.Arg331Cys (NM_001079812.3); c.1018C>T, p.Arg340Cys (NM_001314007.2); short protein forms R340C, R331C.
Identifiers: ClinVar variation 1427885 (VCV001427885.9), dbSNP rs754730261, ClinGen allele CA361532258.
Genomic context (GRCh38, chr5:141,578,541, plus strand): 5'-AGTCTAGCCTTTCTAATGAAGTGTAATATCTTACCTGCAACACCTGATGTAGCCCCAAAC[G>A]CATCAGTTCACTTCTGATGTGAACTCGGAAGTCAAGTTCCTCCGCTGGTGTGATGAGAGC-3'
Protein context (NP_005210.3, residues 330-350): FRVHIRSELM[Arg340Cys]LGLHQVLQDL

ClinVar aggregate classification (germline): Uncertain significance. Review status: criteria provided, multiple submitters, no conflicts (2 of 4 stars). 3 submissions from 3 submitters: Uncertain significance (3). Last evaluated 2026-01-12.

Conditions:
Autosomal dominant nonsyndromic hearing loss 1. Also called: DEAFNESS, AUTOSOMAL DOMINANT 1, WITH OR WITHOUT THROMBOCYTOPENIA; KONIGSMARK SYNDROME. Identifiers: Orphanet 90635, MedGen C1852282, MONDO:0007424, OMIM 124900.
Progressive microcephaly-seizures-cortical blindness-developmental delay syndrome. Also called: Seizures, cortical blindness, and microcephaly syndrome. Identifiers: Orphanet 477814, MedGen C5567650, MONDO:0014714, OMIM 616632.
Inborn genetic diseases. Identifiers: MedGen C0950123, MeSH D030342.

gnomAD v4.1: 18 of 1,613,682 alleles (0.0011%); highest among the groups gnomAD compares: Admixed American, 0.0017%; no homozygotes.

Submissions (3):

Labcorp Genetics (formerly Invitae), Labcorp
Classification: Uncertain significance for Progressive microcephaly-seizures-cortical blindness-developmental delay syndrome; Autosomal dominant nonsyndromic hearing loss 1. Last evaluated: 2026-01-12. Review status: criteria provided, single submitter. Criteria: Invitae Variant Classification Sherloc (09022015). Collection method: clinical testing. Allele origin: germline.
Comment: This sequence change replaces arginine, which is basic and polar, with cysteine, which is neutral and slightly polar, at codon 340 of the DIAPH1 protein (p.Arg340Cys). This variant is present in population databases (no rsID available, gnomAD 0.0009%). This variant has not been reported in the literature in individuals affected with DIAPH1-related conditions. ClinVar contains an entry for this variant (Variation ID: 1427885). Experimental studies and prediction algorithms are not available or were not evaluated, and the functional significance of this variant is currently unknown. In summary, the available evidence is currently insufficient to determine the role of this variant in disease. Therefore, it has been classified as a Variant of Uncertain Significance.

Ambry Genetics
Classification: Uncertain significance for Inborn genetic diseases. Last evaluated: 2025-10-21. Review status: criteria provided, single submitter. Criteria: Ambry Variant Classification Scheme 2023. Collection method: clinical testing. Allele origin: germline.

GeneDx
Classification: Uncertain significance. Last evaluated: 2022-12-12. Review status: criteria provided, single submitter. Criteria: GeneDx Variant Classification Process June 2021. Collection method: clinical testing. Allele origin: germline. Affected: yes.
Comment: In silico analysis supports that this missense variant has a deleterious effect on protein structure/function; Has not been previously published as pathogenic or benign to our knowledge